The following is an entry in ClinVar:

NM_001348716.2(KDM6B):c.910-6C>T

Gene: KDM6B (lysine demethylase 6B; plus strand). Cytogenetic location: 17p13.1.
Variant type: single nucleotide variant.
Coding change: c.910-6C>T on transcript NM_001348716.2 (MANE Select); 6 bases into the intron before coding-DNA position 910, C replaced by T.
Molecular consequence: intron variant.
Genome position (GRCh38, 1-based): chr17:7,847,099, C>T. VCF-style: chr17-7847099-C-T. GRCh37 (hg19) VCF-style: chr17-7750417-C-T.
Other names: c.910-6C>T (NM_001080424.2).
Identifiers: ClinVar variation 3049357 (VCV003049357.2), dbSNP rs761856122, ClinGen allele CA8360443.

ClinVar aggregate classification (germline): Likely benign (0 of 4 stars; one submission).

Conditions:
KDM6B-related disorder. Also called: KDM6B-related condition.

Allele frequency attached by ClinVar (database versions not stated): gnomAD exomes 0.00002; ExAC 0.00003; TOPMed 0.00004; gnomAD 0.00007.
gnomAD v4.1: 39 of 1,612,486 alleles (0.0024%); highest among the groups gnomAD compares: Admixed American, 0.055%; no homozygotes.

Submission:

PreventionGenetics, part of Exact Sciences
Classification: Likely benign for KDM6B-related condition. Last evaluated: 2019-07-15. Review status: no assertion criteria provided. Collection method: clinical testing. Allele origin: germline.
Comment: This variant is classified as likely benign based on ACMG/AMP sequence variant interpretation guidelines (Richards et al. 2015 PMID: 25741868, with internal and published modifications).